The following is an entry in ClinVar:

ClinVar aggregate classification (germline): Pathogenic. Review status: criteria provided, multiple submitters, no conflicts (2 of 4 stars). 2 submissions from 2 submitters: Pathogenic (2). Last evaluated 2023-01-31.

Submissions (2):

Labcorp Genetics (formerly Invitae), Labcorp
Classification: Pathogenic. Last evaluated: 2023-01-31. Review status: criteria provided, single submitter. Criteria: Invitae Variant Classification Sherloc (09022015). Collection method: clinical testing. Allele origin: germline.
Comment: This sequence change creates a premature translational stop signal (p.Leu25Cysfs*2) in the SLC12A3 gene. It is expected to result in an absent or disrupted protein product. Loss-of-function variants in SLC12A3 are known to be pathogenic (PMID: 20848653, 22009145, 25841442). This variant is not present in population databases (gnomAD no frequency). This variant has not been reported in the literature in individuals affected with SLC12A3-related conditions. ClinVar contains an entry for this variant (Variation ID: 448399). For these reasons, this variant has been classified as Pathogenic.

Athena Diagnostics
Classification: Pathogenic. Last evaluated: 2017-03-02. Review status: criteria provided, single submitter. Criteria: Athena Diagnostics Criteria. Collection method: clinical testing. Allele origin: germline.

Literature cited by the submitters: PubMed 20848653 (cited by Labcorp Genetics (formerly Invitae), Labcorp); PubMed 22009145 (cited by Labcorp Genetics (formerly Invitae), Labcorp); PubMed 25841442 (cited by Labcorp Genetics (formerly Invitae), Labcorp).

NM_001126108.2(SLC12A3):c.73del (p.Leu25fs)

Gene: SLC12A3 (solute carrier family 12 member 3; plus strand). Cytogenetic location: 16q13.
Variant type: Deletion.
Coding change: c.73del on transcript NM_001126108.2 (MANE Select); coding-DNA position 73, one base deleted (C; older notation c.73delC).
Protein change: p.Leu25fs; shifts the reading frame from leucine 25.
Molecular consequence: frameshift variant.
Genome position (GRCh38, 1-based): chr16:56,865,308, C deleted. VCF-style (leftmost placement, unchanged base first): chr16-56865307-AC-A. GRCh37 (hg19) VCF-style: chr16-56899219-AC-A.
Other names: c.73del, p.Leu25fs (NM_000339.3, NM_001126107.2); short protein forms L25fs.
Identifiers: ClinVar variation 448399 (VCV000448399.4), dbSNP rs1555499123, ClinGen allele CA658658471.